The following is an entry in ClinVar:

NM_003626.5(PPFIA1):c.1523G>A (p.Arg508Lys)

Gene: PPFIA1 (PTPRF interacting protein alpha 1; plus strand). Cytogenetic location: 11q13.3.
Variant type: single nucleotide variant.
Coding change: c.1523G>A on transcript NM_003626.5 (MANE Select); coding-DNA position 1523, G replaced by A.
Protein change: p.Arg508Lys; replaces arginine 508 with lysine.
Molecular consequence: missense variant. On other transcripts: non-coding transcript variant (1).
Genome position (GRCh38, 1-based): chr11:70,338,405, G>A. VCF-style: chr11-70338405-G-A. GRCh37 (hg19) VCF-style: chr11-70184511-G-A.
Other names: c.1598G>A, p.Arg533Lys (NM_001378006.1); c.1523G>A, p.Arg508Lys (NM_177423.3); short protein forms R508K, R533K.
Identifiers: ClinVar variation 3053290 (VCV003053290.2), dbSNP rs144640710, ClinGen allele CA6159024.

ClinVar aggregate classification (germline): Likely benign (0 of 4 stars; one submission).

Conditions:
PPFIA1-related disorder. Also called: PPFIA1-related condition.

Allele frequency attached by ClinVar (database versions not stated): gnomAD exomes 0.00015; 1000 Genomes Project 0.00020; ESP Exome Variant Server 0.00023; gnomAD 0.00027; 1000 Genomes Project 30x 0.00031; TOPMed 0.00032; ExAC 0.00038.
gnomAD v4.1: 282 of 1,613,530 alleles (0.017%); highest among the groups gnomAD compares: Admixed American, 0.15%; 1 homozygote.

Submission:

PreventionGenetics, part of Exact Sciences
Classification: Likely benign for PPFIA1-related condition. Last evaluated: 2019-08-27. Review status: no assertion criteria provided. Collection method: clinical testing. Allele origin: germline.
Comment: This variant is classified as likely benign based on ACMG/AMP sequence variant interpretation guidelines (Richards et al. 2015 PMID: 25741868, with internal and published modifications).